The following is an entry in ClinVar:

ClinVar aggregate classification (germline): Likely benign. Review status: criteria provided, multiple submitters, no conflicts (2 of 4 stars). 2 submissions from 2 submitters: Likely benign (2). Last evaluated 2025-04-02.

Conditions:
CHRDL1-related disorder. Also called: CHRDL1-related condition.

Allele frequency attached by ClinVar (database versions not stated): 1000 Genomes Project 30x 0.00021; 1000 Genomes Project 0.00026; ESP Exome Variant Server 0.00066; TOPMed 0.00086; gnomAD 0.00108.
gnomAD v4.1: 1,058 of 1,185,517 alleles (0.089%); highest among the groups gnomAD compares: Non-Finnish European, 0.094%; 3 homozygotes.

Submissions (2):

Labcorp Genetics (formerly Invitae), Labcorp
Classification: Likely benign. Last evaluated: 2025-04-02. Review status: criteria provided, single submitter. Criteria: Invitae Variant Classification Sherloc (09022015). Collection method: clinical testing. Allele origin: germline.

PreventionGenetics, part of Exact Sciences
Classification: Likely benign for CHRDL1-related condition. Last evaluated: 2024-11-06. Review status: criteria provided, single submitter. Criteria: ACMG Guidelines, 2015. Collection method: clinical testing. Allele origin: germline.
Comment: This variant is classified as likely benign based on ACMG/AMP sequence variant interpretation guidelines (Richards et al. 2015 PMID: 25741868, with internal and published modifications).

NM_001143981.2(CHRDL1):c.174G>A (p.Gly58=)

Gene: CHRDL1 (chordin like 1; minus strand). Cytogenetic location: Xq23.
Variant type: single nucleotide variant.
Coding change: c.174G>A on transcript NM_001143981.2 (MANE Select); coding-DNA position 174, G replaced by A.
Protein change: p.Gly58=; no amino-acid change (glycine 58 retained).
Molecular consequence: synonymous variant. On other transcripts: non-coding transcript variant (1).
Genome position (GRCh38, 1-based): chrX:110,762,728, C>T on the plus strand (G>A on the coding strand, the complement: CHRDL1 is on the minus strand). VCF-style: chrX-110762728-C-T. GRCh37 (hg19) VCF-style: chrX-110005956-C-T.
Other names: c.174G>A (NM_001143981.1); c.174G>A, p.Gly58= (NM_001143982.2, NM_001143983.3, NM_001367204.1 and 6 more transcripts).
Identifiers: ClinVar variation 2759370 (VCV002759370.4), dbSNP rs35235895, ClinGen allele CA10492521.